The following is an entry in ClinVar:

NM_194454.3(KRIT1):c.254del (p.Gly85fs)

Gene: KRIT1 (KRIT1 ankyrin repeat containing; minus strand). Cytogenetic location: 7q21.2.
Variant type: Deletion.
Coding change: c.254del on transcript NM_194454.3 (MANE Select); coding-DNA position 254, one base deleted (G; older notation c.254delG).
Protein change: p.Gly85fs; shifts the reading frame from glycine 85.
Molecular consequence: frameshift variant. On other transcripts: 5 prime UTR variant (1).
Genome position (GRCh38, 1-based): chr7:92,241,001, C deleted on the plus strand (G on the coding strand, the reverse complement: KRIT1 is on the minus strand); the first of 3 consecutive C bases (chr7:92,241,001-92,241,003); deleting any one gives the same sequence. VCF-style (leftmost placement, unchanged base first): chr7-92241000-AC-A. GRCh37 (hg19) VCF-style: chr7-91870314-AC-A.
Other names: c.254del, p.Gly85fs (NM_001350670.1, NM_001350672.1, NM_001350673.1 and 29 more transcripts); c.-330del (NM_001350671.1); short protein forms G85fs.
Identifiers: ClinVar variation 2034432 (VCV002034432.4), dbSNP rs2536102793, ClinGen allele CA2580077458.

ClinVar aggregate classification (germline): Pathogenic (1 of 4 stars; one submission).

Conditions:
Cerebral cavernous malformation (CCM). Also called: CAVERNOUS ANGIOMA, FAMILIAL; CAVERNOUS ANGIOMATOUS MALFORMATIONS; CEREBRAL CAPILLARY MALFORMATIONS; Cerebral cavernous hemangioma (type); Cerebral cavernous malformations; Cavernous Hemangioma of Brain. Identifiers: Orphanet 221061, MedGen C2919945, MONDO:0000820, OMIM 116860, HP:0033522.

Submission:

Labcorp Genetics (formerly Invitae), Labcorp
Classification: Pathogenic for Cerebral cavernous malformation. Last evaluated: 2022-11-14. Review status: criteria provided, single submitter. Criteria: Invitae Variant Classification Sherloc (09022015). Collection method: clinical testing. Allele origin: germline.
Comment: For these reasons, this variant has been classified as Pathogenic. Algorithms developed to predict the effect of sequence changes on RNA splicing suggest that this variant may create or strengthen a splice site. This variant has not been reported in the literature in individuals affected with KRIT1-related conditions. This variant is not present in population databases (gnomAD no frequency). This sequence change creates a premature translational stop signal (p.Gly85Valfs*9) in the KRIT1 gene. It is expected to result in an absent or disrupted protein product. Loss-of-function variants in KRIT1 are known to be pathogenic (PMID: 10508515, 11222804, 12404106, 24689081).

Literature cited by the submitters: PubMed 10508515; PubMed 11222804; PubMed 12404106; PubMed 24689081.